The following is an entry in ClinVar:

ClinVar aggregate classification (germline): Pathogenic. Review status: criteria provided, multiple submitters, no conflicts (2 of 4 stars). 2 submissions from 2 submitters: Pathogenic (2). Last evaluated 2025-09-08.

Conditions:
Cystic fibrosis (CF). Also called: MUCOVISCIDOSIS. Identifiers: Orphanet 586, MedGen C0010674, MONDO:0009061, OMIM 219700. Disease mechanism: loss of function.

Submissions (2):

Women's Health and Genetics/Laboratory Corporation of America, LabCorp
Classification: Pathogenic for Cystic fibrosis. Last evaluated: 2025-09-08. Review status: criteria provided, single submitter. Criteria: LabCorp Variant Classification Summary - May 2015. Collection method: clinical testing. Allele origin: germline.
Comment: Variant summary: CFTR c.166G>T (p.Glu56X) results in a premature termination codon, predicted to cause a truncation of the encoded protein or absence of the protein due to nonsense mediated decay, which are commonly known mechanisms for disease. The variant was absent in 250694 control chromosomes. c.166G>T has been observed in individual(s) affected with Cystic Fibrosis (example: Filho_2021). The following publication has been ascertained in the context of this evaluation (PMID: 32819855). ClinVar contains an entry for this variant (Variation ID: 618926). Based on the evidence outlined above, the variant was classified as pathogenic.

Mendelics
Classification: Pathogenic for Cystic fibrosis. Last evaluated: 2018-11-05. Review status: criteria provided, single submitter. Criteria: Mendelics Assertion Criteria 2017. Collection method: clinical testing. Allele origin: unknown. Affected: yes.

Literature cited by the submitters: PubMed 32819855 (cited by Women's Health and Genetics/Laboratory Corporation of America, LabCorp).

NM_000492.4(CFTR):c.166G>T (p.Glu56Ter)

Genes: CFTR (CF transmembrane conductance regulator; plus strand), LOC113664106 (CFTR intron 2 DNase I hypersensitive site; plus strand). Cytogenetic location: 7q31.2.
Variant type: single nucleotide variant.
Coding change: c.166G>T on transcript NM_000492.4 (MANE Select); coding-DNA position 166, G replaced by T.
Protein change: p.Glu56Ter; replaces glutamic acid 56 with a stop codon.
Molecular consequence: nonsense.
Genome position (GRCh38, 1-based): chr7:117,509,035, G>T. VCF-style: chr7-117509035-G-T. GRCh37 (hg19) VCF-style: chr7-117149089-G-T.
Other names: short protein forms E56*.
Identifiers: ClinVar variation 618926 (VCV000618926.3), dbSNP rs397508256, ClinGen allele CA368972106.